The following is an entry in ClinVar:

NM_000518.5(HBB):c.130G>A (p.Glu44Lys)

Genes: HBB (hemoglobin subunit beta; minus strand), LOC106099062 (HBB recombination region; plus strand), LOC107133510 (origin of replication at HBB; plus strand). Cytogenetic location: 11p15.4.
Variant type: single nucleotide variant.
Coding change: c.130G>A on transcript NM_000518.5 (MANE Select); coding-DNA position 130, G replaced by A.
Protein change: p.Glu44Lys; replaces glutamic acid 44 with lysine.
Molecular consequence: missense variant.
Genome position (GRCh38, 1-based): chr11:5,226,762, C>T on the plus strand (G>A on the coding strand, the complement: HBB is on the minus strand). VCF-style: chr11-5226762-C-T. GRCh37 (hg19) VCF-style: chr11-5247992-C-T.
Other names: short protein forms E44K.
Identifiers: ClinVar variation 3572116 (VCV003572116.1).

ClinVar aggregate classification (germline): Uncertain significance (1 of 4 stars; one submission).

Submission:

Quest Diagnostics Nichols Institute San Juan Capistrano
Classification: Uncertain significance. Last evaluated: 2024-04-11. Review status: criteria provided, single submitter. Criteria: Quest Diagnostics criteria. Collection method: clinical testing. Allele origin: unknown.
Comment: The HBB c.130G>A (p.Glu44Lys) variant has been reported in the published literature in an individual with thrombocytopenia (PMID: 29382003 (2017)). Additionally, the variant was reported in an individual who was compound heterozygous for the variant and was described to have showed microcytic and hypochromic RBC indices with a normal Hb level (PMID: 29313432 (2017)). This variant has not been reported in large, multi-ethnic general populations (Genome Aggregation Database). Analysis of this variant using bioinformatics tools for the prediction of the effect of amino acid changes on protein structure and function yielded conflicting predictions that this variant is deleterious or benign. Based on the available information, we are unable to determine the clinical significance of this variant.

Literature cited by the submitters: PubMed 29382003; PubMed 29313432.